The following is an entry in ClinVar:

NM_033028.5(BBS4):c.513T>A (p.Tyr171Ter)

Gene: BBS4 (Bardet-Biedl syndrome 4; plus strand). Cytogenetic location: 15q24.1.
Variant type: single nucleotide variant.
Coding change: c.513T>A on transcript NM_033028.5 (MANE Select); coding-DNA position 513, T replaced by A.
Protein change: p.Tyr171Ter; replaces tyrosine 171 with a stop codon.
Molecular consequence: nonsense. On other transcripts: 5 prime UTR variant (1), non-coding transcript variant (2).
Genome position (GRCh38, 1-based): chr15:72,724,581, T>A. VCF-style: chr15-72724581-T-A. GRCh37 (hg19) VCF-style: chr15-73016922-T-A.
Other names: c.-4T>A (NM_001252678.2); c.513T>A, p.Tyr171Ter (NM_001320665.2); short protein forms Y171*.
Identifiers: ClinVar variation 412296 (VCV000412296.7), dbSNP rs367882912, ClinGen allele CA16614490.
Genomic context (GRCh38, chr15:72,724,581, plus strand): 5'-TTGTCAGGCACAAGACCAGTTGCACAATGCCCTGAATCTTAATAGGCACGATCTGACTTA[T>A]ATAATGCTGGGGAAGATCCACTTGCTGGAGGGAGACTTGGACAAGGCCATTGAAGTCTAC-3'

ClinVar aggregate classification (germline): Pathogenic (1 of 4 stars; one submission).

Conditions:
Bardet-Biedl syndrome (BBS). Identifiers: Orphanet 110, MedGen C0752166, MONDO:0015229.

Submission:

Labcorp Genetics (formerly Invitae), Labcorp
Classification: Pathogenic for Bardet-Biedl syndrome. Last evaluated: 2016-08-10. Review status: criteria provided, single submitter. Criteria: Invitae Variant Classification Sherloc (09022015). Collection method: clinical testing. Allele origin: germline.
Comment: While this particular variant has not been reported in the literature, loss-of-function variants in BBS4 are known to be pathogenic (PMID: 11381270). For these reasons, this variant has been classified as Pathogenic. This sequence change creates a premature translational stop signal at codon 171 (p.Tyr171*) of the BBS4 gene. It is expected to result in an absent or disrupted protein product.

Literature cited by the submitters: PubMed 11381270.